The following is an entry in ClinVar:

NM_020066.5(FMN2):c.2835G>A (p.Pro945=)

Gene: FMN2 (formin 2; plus strand). Cytogenetic location: 1q43.
Variant type: single nucleotide variant.
Coding change: c.2835G>A on transcript NM_020066.5 (MANE Select); coding-DNA position 2835, G replaced by A.
Protein change: p.Pro945=; no amino-acid change (proline 945 retained).
Molecular consequence: synonymous variant. On other transcripts: intron variant (1).
Genome position (GRCh38, 1-based): chr1:240,207,647, G>A. VCF-style: chr1-240207647-G-A. GRCh37 (hg19) VCF-style: chr1-240370947-G-A.
Other names: c.2847G>A, p.Pro949= (NM_001305424.2); c.1986+19385G>A (NM_001348094.2).
Identifiers: ClinVar variation 1675409 (VCV001675409.33), dbSNP rs1186257105, ClinGen allele CA1476796.
Genomic context (GRCh38, chr1:240,207,647, plus strand): 5'-TCTACCCGGAGCAGGCATACTCCCTCTGCCCCCTCTACCCGGAGCGGGAATACCTCCTCC[G>A]CCCCCTCTACCCGGAGCGGCAATACCCCCTCCGCCCCCTCTTCCCGGGGCAGGCATACCC-3'
Protein context (NP_064450.3, residues 935-955): PPLPGAGIPP[Pro945=]PPLPGAAIPP

ClinVar aggregate classification (germline): Likely benign. Review status: criteria provided, multiple submitters, no conflicts (2 of 4 stars). 2 submissions from 2 submitters: Likely benign (2). Last evaluated 2026-03-01.

Allele frequency attached by ClinVar (database versions not stated): gnomAD exomes 0.00041; gnomAD 0.00127.

Submissions (2):

CeGaT Center for Human Genetics Tuebingen
Classification: Likely benign. Last evaluated: 2026-03-01. Review status: criteria provided, single submitter. Criteria: CeGaT Center For Human Genetics Tuebingen Variant Classification Criteria Version 2. Collection method: clinical testing. Allele origin: germline. Affected: yes. Observed: 6 variant alleles.
Comment: FMN2: BP4, BP7

Breakthrough Genomics
Classification: Likely benign. Review status: criteria provided, single submitter. Criteria: ACMG Guidelines, 2015. Collection method: not provided. Allele origin: germline. Inheritance: Autosomal recessive inheritance. Affected: yes.